The following is an entry in ClinVar:

ClinVar aggregate classification (germline): Pathogenic (1 of 4 stars; one submission).

Conditions:
Inborn genetic diseases. Identifiers: MedGen C0950123, MeSH D030342.

Submission:

Ambry Genetics
Classification: Pathogenic for Hereditary disease. Last evaluated: 2017-01-16. Review status: criteria provided, single submitter. Criteria: ambry_reporting_categories_2017. Collection method: clinical testing. Allele origin: germline. Affected: yes. Observed: 1 hemizygote. Segregation with disease observed.
Comment: Lines of evidence used in support of classification: UNCERTAIN: Alteration(s) of Uncertain Clinical Significance Detected

Literature cited by the submitters: PubMed 20206336; PubMed 8375651; PubMed 22831640; PubMed 22511880; PubMed 24234437; PubMed 16618797; PubMed 19854944; PubMed 16982422; PubMed 23911319; PubMed 19348700; PubMed 9147638; PubMed 18762582; PubMed 9671304; PubMed 1063406; PubMed 15858577; PubMed 15217342; PubMed 24253303; PubMed 11955450; PubMed 15284851; PubMed 24870542; PubMed 26822784; PubMed 28135719; PubMed 29100083.

NM_004859.4(CLTC):c.4420G>T (p.Glu1474Ter)

Genes: CLTC (clathrin heavy chain; plus strand), LOC126862609 (CDK7 strongly-dependent group 2 enhancer GRCh37_chr17:57760547-57761746; plus strand). Cytogenetic location: 17q23.1.
Variant type: single nucleotide variant.
Coding change: c.4420G>T on transcript NM_004859.4 (MANE Select); coding-DNA position 4420, G replaced by T.
Protein change: p.Glu1474Ter; replaces glutamic acid 1474 with a stop codon.
Molecular consequence: nonsense.
Genome position (GRCh38, 1-based): chr17:59,683,971, G>T. VCF-style: chr17-59683971-G-T. GRCh37 (hg19) VCF-style: chr17-57761332-G-T.
Other names: c.4432G>T, p.Glu1478Ter (NM_001288653.2); short protein forms E1474*, E1478*.
Identifiers: ClinVar variation 521468 (VCV000521468.3), dbSNP rs1555607504, ClinGen allele CA400421587.